The following is an entry in ClinVar:

NM_000088.4(COL1A1):c.2452-10_2452-9insGGAG

Gene: COL1A1 (collagen type I alpha 1 chain; minus strand). Cytogenetic location: 17q21.33.
Variant type: Insertion.
Coding change: c.2452-10_2452-9insGGAG on transcript NM_000088.4 (MANE Select); 10 bases into the intron before coding-DNA position 2452 through 9 bases into the intron before coding-DNA position 2452, GGAG inserted.
Molecular consequence: intron variant.
Genome position: GRCh38 VCF-style: chr17-50190117-G-GCTCC. GRCh37 (hg19) VCF-style: chr17-48267478-G-GCTCC.
Identifiers: ClinVar variation 4854440 (VCV004854440.1).
Genomic context (GRCh38, chr17:50,190,117, plus strand): 5'-TAGCACCAGCATCACCAGGTTCGCCTTTAGCACCAGGTTGGCCGTCAGCACCCTGGGGGA[G>GCTCC]GAAGCAGGGCGGTGAATGGAGGGAAGGAGGCAGGAGTTTCCACTACCTGGGGGAGGAGCA-3'

ClinVar aggregate classification (germline): Uncertain significance (1 of 4 stars; one submission).

Conditions:
Osteogenesis imperfecta type I (OI1). Also called: Lobstein's Disease; Lobstein disease; OI, TYPE I; OSTEOGENESIS IMPERFECTA TARDA; OSTEOGENESIS IMPERFECTA WITH BLUE SCLERAE; Classic Non-deforming Osteogenesis Imperfecta with Blue Sclerae. Identifiers: Orphanet 216796, Orphanet 666, MedGen C0023931, MONDO:0008146, OMIM 166200. Disease mechanism: loss of function.

Submission:

3billion
Classification: Uncertain significance for Osteogenesis imperfecta type I. Last evaluated: 2025-12-17. Review status: criteria provided, single submitter. Criteria: ACMG Guidelines, 2015. Collection method: clinical testing. Allele origin: germline. Affected: yes.
Comment: The variant is not observed in the gnomAD v4.1.0 dataset. Predicted Consequence/Location: Intron variant In silico tools predict the variant to alter splicing and produce an abnormal transcript [SpliceAI: 0.92 (>=0.2, moderate evidence for spliceogenicity)]. Therefore, this variant is classified as VUS according to the recommendation of ACMG/AMP guideline.